The following is an entry in ClinVar:

ClinVar aggregate classification (germline): Benign (3 of 4 stars; one submission).

Conditions:
Breast-ovarian cancer, familial, susceptibility to, 1 (BROVCA1). Also called: BRCA1 Hereditary Breast and Ovarian Cancer; OVARIAN CANCER, SUSCEPTIBILITY TO. Identifiers: Orphanet 145, MedGen C2676676, MONDO:0011450, OMIM 604370. Disease mechanism: loss of function.

Allele frequency attached by ClinVar (database versions not stated): TOPMed 0.00187; gnomAD 0.00198 and 0.00202; 1000 Genomes Project 0.00260; 1000 Genomes Project 30x 0.00265.
gnomAD v4.1: 301 of 152,192 alleles (0.2%); highest among the groups gnomAD compares: Middle Eastern, 0.68%; 3 homozygotes.

Submission:

Evidence-based Network for the Interpretation of Germline Mutant Alleles (ENIGMA)
Classification: Benign for Breast-ovarian cancer, familial, susceptibility to, 1. Last evaluated: 2016-09-28. Review status: reviewed by expert panel. Criteria: ENIGMA BRCA1/2 Classification Criteria (2015). Collection method: curation. Allele origin: germline.
Comment: Class 1 not pathogenic based on frequency >1% in an outbred sampleset. Frequency 0.0101 (Admixed American/Latino), derived from 1000 genomes (2013-05-02).

NM_007294.4(BRCA1):c.5194-2912T>C

Gene: BRCA1 (BRCA1 DNA repair associated; minus strand). Cytogenetic location: 17q21.31.
Variant type: single nucleotide variant.
Coding change: c.5194-2912T>C on transcript NM_007294.4 (MANE Select); 2912 bases into the intron before coding-DNA position 5194, T replaced by C.
Molecular consequence: intron variant.
Genome position (GRCh38, 1-based): chr17:43,060,047, A>G on the plus strand (T>C on the coding strand, the complement: BRCA1 is on the minus strand). VCF-style: chr17-43060047-A-G. GRCh37 (hg19) VCF-style: chr17-41212064-A-G.
Other names: c.1741-2912T>C (NM_001408458.1, NM_001408461.1, NM_001408464.1 and 7 more transcripts); c.4303-2912T>C (NM_001407967.1); c.4813-2912T>C (NM_001407959.1); c.4927-2912T>C (NM_001407931.1, NM_001407932.1, NM_001407928.1 and 4 more transcripts); c.5050-2912T>C (NM_001407747.1, NM_001407745.1, NM_001407737.1 and 21 more transcripts); c.4810-2912T>C (NM_001407962.1, NM_001407960.1); c.1381-2912T>C (NM_001408512.1); c.1504-2912T>C (NM_001408510.1); and 72 more.
Identifiers: ClinVar variation 264810 (VCV000264810.2), dbSNP rs189676688, ClinGen allele CA10588197.
Genomic context (GRCh38, chr17:43,060,047, plus strand): 5'-TCTCCGCCTCCTGGGTTCAAGCGATTCTCCTGCCCCAGCCTCCCAAGTAGCTGTGATTAC[A>G]GGCACATGCCACCATTCCCAGCTAATTTTTTTTTGTTTTTGAGATGGAGTTTCACTCTTG-3'